The following is an entry in ClinVar:

NM_000030.3(AGXT):c.2T>C (p.Met1Thr)

Gene: AGXT (alanine--glyoxylate aminotransferase; plus strand). Cytogenetic location: 2q37.3.
Variant type: single nucleotide variant.
Coding change: c.2T>C on transcript NM_000030.3 (MANE Select); coding-DNA position 2, T replaced by C.
Protein change: p.Met1Thr; changes the start codon (methionine 1).
Molecular consequence: missense variant, initiator codon variant.
Genome position (GRCh38, 1-based): chr2:240,868,867, T>C. VCF-style: chr2-240868867-T-C. GRCh37 (hg19) VCF-style: chr2-241808284-T-C.
Other names: short protein forms M1T.
Identifiers: ClinVar variation 204065 (VCV000204065.32), dbSNP rs138584408, ClinGen allele CA275613.

ClinVar aggregate classification (germline): Pathogenic/Likely pathogenic. Review status: criteria provided, multiple submitters, no conflicts (2 of 4 stars). 10 submissions from 10 submitters: Pathogenic (5); Likely pathogenic (1). 4 of the submissions do not count toward it. Last evaluated 2025-11-23.

Conditions:
AGXT-related disorder. Also called: AGXT-related condition.
Primary hyperoxaluria. Identifiers: Orphanet 416, MedGen C0020501, MONDO:0002474.
Primary hyperoxaluria, type I (HP1). Also called: GLYCOLIC ACIDURIA; HEPATIC AGT DEFICIENCY; OXALOSIS I; Primary hyperoxaluria type 1. Identifiers: Orphanet 416, Orphanet 93598, MedGen C0268164, MONDO:0009823, OMIM 259900. Disease mechanism: loss of function.
Type 2 diabetes mellitus. Also called: Type II diabetes mellitus. Identifiers: MedGen C0011860, MeSH D003924, MONDO:0005148, OMIM 125853, HP:0005978.

Allele frequency attached by ClinVar (database versions not stated): gnomAD 0.00001; TOPMed 0.00002; ExAC 0.00003; gnomAD exomes 0.00005; ESP Exome Variant Server 0.00008.

Submissions (10):

Labcorp Genetics (formerly Invitae), Labcorp
Classification: Pathogenic. Last evaluated: 2025-11-23. Review status: criteria provided, single submitter. Criteria: Invitae Variant Classification Sherloc (09022015). Collection method: clinical testing. Allele origin: germline.
Comment: This sequence change affects the initiator codon of the AGXT mRNA. This change may impact translation initiation or efficiency. The next in-frame methionine is located at codon 38. This variant is present in population databases (rs138584408, gnomAD 0.05%). Disruption of the initiator codon has been observed in individuals with primary hyperoxaluria type 1 (PMID: 15365967, 24934730, 29456205). ClinVar contains an entry for this variant (Variation ID: 204065). Algorithms developed to predict the effect of variants on gene product structure and function are not available or were not evaluated for this variant. Experimental studies have shown that disruption of the initiator codon affects AGXT function (PMID: 17495019). For these reasons, this variant has been classified as Pathogenic.

PreventionGenetics, part of Exact Sciences
Classification: Pathogenic for AGXT-related condition. Last evaluated: 2025-11-10. Review status: criteria provided, single submitter. Criteria: ACMG Guidelines, 2015. Collection method: clinical testing. Allele origin: germline.
Comment: The AGXT c.2T>C variant is predicted to disrupt the translation initiation site (Start loss). This variant has been reported in multiple individuals with primary hyperoxaluria type 1 (PH1) in the compound heterozygous state (Coulter-Mackie et al. 2004. PubMed ID: 15464418; Lin et al. 2021. PubMed ID: 33721035; Xin et al. 2023. PubMed ID: 37139236). It has also been reported in the compound heterozygous state in another pediatric patient with hereditary nephrolithiasis (Liu et al. 2023. PubMed ID: 37306718). This variant is reported in 0.050% of alleles in individuals of East Asian descent in gnomAD and is interpreted as pathogenic/likely pathogenic in ClinVar (Variation ID: 204065). Another disruption of the initiator codon (c.2_3delinsAT, p.Met1Asn) identified in the compound heterozygous state has been observed in multiple individuals with PH1 (Rhuma et al. 2018. PubMed ID: 29456205). Experimental studies of the p.Met1Asn mutant protein have shown that disruption of the initiator codon affects AGXT function (Williams and Rumsby. 2007. PubMed ID: 17495019). Taken together, the c.2T>C variant is interpreted as pathogenic.

Natera, Inc.
Classification: Pathogenic for Primary hyperoxaluria type I. Last evaluated: 2025-09-10. Review status: criteria provided, single submitter. Criteria: Natera Variant Classification Schema (03/2026). Collection method: clinical testing. Allele origin: germline.
Comment: The c.2T>C variant in AGXT is predicted to result in start loss due to disruption of the initiator methionine. This variant is expected to result in nonsense mediated decay, truncation, or a dysfunctional protein product. This variant is rare in the general population with a frequency below the threshold expected for the associated phenotype(s). This variant has been observed in one or more individuals affected with the associated recessive disease, as either homozygous or compound heterozygous with a second variant (PMID: 37139236). Given the available evidence, this variant is classified as Pathogenic.

Women's Health and Genetics/Laboratory Corporation of America, LabCorp
Classification: Pathogenic for Primary hyperoxaluria. Last evaluated: 2024-07-31. Review status: criteria provided, single submitter. Criteria: LabCorp Variant Classification Summary - May 2015. Collection method: clinical testing. Allele origin: germline.
Comment: Variant summary: AGXT c.2T>C (p.Met1Thr) alters the initiation codon and is predicted to result either in absence of the protein or truncation of the encoded protein due to translation initiation at a downstream codon. Next inframe start codon is located at p.M38. Variants upstream of this position have been classified Pathogenic in ClinVar (CV IDs: 188957,204069, 204072). Four of four in-silico tools predict a damaging effect of the variant on protein function. The variant allele was found at a frequency of 4.6e-05 in 240536 control chromosomes. This frequency is not significantly higher than estimated for a pathogenic variant in AGXT causing Primary Hyperoxaluria Type 1 (4.6e-05 vs 0.0024), allowing no conclusion about variant significance. c.2T>C has been reported in the literature in individuals affected with Primary Hyperoxaluria (examples:Li_2014, Yuen_2004, Lin_2021, Xin_2023). These data indicate that the variant is likely to be associated with disease. The following publications have been ascertained in the context of this evaluation (PMID: 37139236, 24934730, 33721035,15365967). ClinVar contains an entry for this variant (Variation ID: 204065). Based on the evidence outlined above, the variant was classified as pathogenic.

Fulgent Genetics
Classification: Pathogenic for Primary hyperoxaluria, type I. Last evaluated: 2024-05-31. Review status: criteria provided, single submitter. Criteria: ACMG Guidelines, 2015. Collection method: clinical testing. Allele origin: germline.

Juno Genomics, Hangzhou Juno Genomics, Inc
Classification: Likely pathogenic for Primary hyperoxaluria, type I. Review status: criteria provided, single submitter. Criteria: ACMG Guidelines, 2015. Collection method: clinical testing. Allele origin: germline.
Comment: Absent from controls (or at extremely low frequency if recessive) in Genome Aggregation Database.;Null variant in a gene where loss of function (LOF) is a known mechanism of disease.;For recessive disorders, detected in trans with a pathogenic variant.

Gene Friend Way, National Innovation Center
Classification: Likely pathogenic for Type 2 diabetes mellitus. Last evaluated: 2025-01-01. Review status: no assertion criteria provided. Collection method: clinical testing. Allele origin: unknown. Affected: yes. Observed: 1 variant allele. Not counted in ClinVar's aggregate classification.
Comment: The c.2T>C variant in AGXT is predicted to result in start loss due to disruption of the initiator methionine. This variant is expected to result in nonsense mediated decay, truncation, or a dysfunctional protein product. AGXT involved in glyoxylate detoxification is also known to be involved in the synthesis of glucose from serine and gluconeogenesis in mitochondria (PMID: 9136629; 33257663). AGXT variants, including rs138584408 has been reported in patients with hyperoxaluria (PMID: 15365967, 24934730), which may contribute to chronic kidney disease progression in diabetes patients (PMID: 31045662).

Chinese Inherited Urolithiasis Consortium, The Affiliated Yantai Yuhuangding Hospital of Qingdao University
Classification: Pathogenic for Primary hyperoxaluria, type I. Last evaluated: 2024-08-26. Review status: no assertion criteria provided. Collection method: clinical testing. Allele origin: paternal. Affected: yes. Observed: 1 variant allele. Not counted in ClinVar's aggregate classification.

Counsyl
Classification: Pathogenic for Primary hyperoxaluria, type I. Last evaluated: 2017-05-18. Review status: no assertion criteria provided. Collection method: clinical testing. Allele origin: unknown. Not counted in ClinVar's aggregate classification.

Clinical Biochemistry Laboratory, Health Services Laboratory
Classification: Pathogenic for Primary hyperoxaluria, type I. Last evaluated: 2014-11-27. Review status: no assertion criteria provided. Collection method: research. Allele origin: germline. Affected: yes. Not counted in ClinVar's aggregate classification.

Literature cited by the submitters: PubMed 15365967 (cited by 5 submitters); PubMed 24934730 (cited by 4 submitters); PubMed 29456205 (cited by Labcorp Genetics (formerly Invitae), Labcorp); PubMed 17495019 (cited by Labcorp Genetics (formerly Invitae), Labcorp); PubMed 37139236 (cited by Natera, Inc. and Women's Health and Genetics/Laboratory Corporation of America, LabCorp); PubMed 33721035 (cited by Women's Health and Genetics/Laboratory Corporation of America, LabCorp); PubMed 9136629 (cited by Gene Friend Way, National Innovation Center); PubMed 33257663 (cited by Gene Friend Way, National Innovation Center); PubMed 31045662 (cited by Gene Friend Way, National Innovation Center).